The following is an entry in ClinVar:

ClinVar aggregate classification (germline): Pathogenic/Likely pathogenic. Review status: criteria provided, multiple submitters, no conflicts (2 of 4 stars). 2 submissions from 2 submitters: Pathogenic (1); Likely pathogenic (1). Last evaluated 2025-09-16.

Conditions:
Hereditary cancer-predisposing syndrome. Also called: Neoplastic Syndromes, Hereditary; Hereditary neoplastic syndrome; Tumor predisposition; Hereditary Cancer Syndrome. Identifiers: Orphanet 140162, MedGen C0027672, MeSH D009386, MONDO:0015356.
Tuberous sclerosis 2 (TSC2). Identifiers: Orphanet 805, MedGen C1860707, MONDO:0013199, OMIM 613254.

Submissions (2):

Ambry Genetics
Classification: Pathogenic for Hereditary cancer-predisposing syndrome. Last evaluated: 2025-09-16. Review status: criteria provided, single submitter. Criteria: Ambry Variant Classification Scheme 2023. Collection method: clinical testing. Allele origin: germline.
Comment: The c.1947-2A>C intronic pathogenic mutation results from an A to C substitution two nucleotides upstream from coding exon 18 in the TSC2 gene. This variant was reported in individual(s) with features consistent with tuberous sclerosis complex (Ambry internal data). Other variant(s) impacting the same acceptor site (c.1947-2A>G) have been identified in individual(s) with features consistent with tuberous sclerosis complex (Ambry internal data). This variant is considered to be rare based on population cohorts in the Genome Aggregation Database (gnomAD). This nucleotide position is highly conserved in available vertebrate species. In silico splice site analysis predicts that this alteration will weaken the native splice acceptor site. Alterations that disrupt the canonical splice site are expected to cause aberrant splicing, resulting in an abnormal protein or a transcript that is subject to nonsense-mediated mRNA decay. As such, this alteration is classified as a disease-causing mutation.

Labcorp Genetics (formerly Invitae), Labcorp
Classification: Likely pathogenic for Tuberous sclerosis 2. Last evaluated: 2020-12-03. Review status: criteria provided, single submitter. Criteria: Invitae Variant Classification Sherloc (09022015). Collection method: clinical testing. Allele origin: germline.
Comment: This sequence change affects an acceptor splice site in intron 18 of the TSC2 gene. It is expected to disrupt RNA splicing and likely results in an absent or disrupted protein product. This variant is not present in population databases (ExAC no frequency). This variant has not been reported in the literature in individuals with TSC2-related conditions. Algorithms developed to predict the effect of sequence changes on RNA splicing suggest that this variant may disrupt the consensus splice site, but this prediction has not been confirmed by published transcriptional studies. Donor and acceptor splice site variants typically lead to a loss of protein function (PMID: 16199547), and loss-of-function variants in TSC2 are known to be pathogenic (PMID: 10205261, 17304050). In summary, the currently available evidence indicates that the variant is pathogenic, but additional data are needed to prove that conclusively. Therefore, this variant has been classified as Likely Pathogenic.

Literature cited by the submitters: PubMed 16199547 (cited by Labcorp Genetics (formerly Invitae), Labcorp); PubMed 10205261 (cited by Labcorp Genetics (formerly Invitae), Labcorp); PubMed 17304050 (cited by Labcorp Genetics (formerly Invitae), Labcorp).

NM_000548.5(TSC2):c.1947-2A>C

Gene: TSC2 (TSC complex subunit 2; plus strand). Cytogenetic location: 16p13.3.
Variant type: single nucleotide variant.
Coding change: c.1947-2A>C on transcript NM_000548.5 (MANE Select); the canonical splice acceptor site of the intron before coding-DNA position 1947, A replaced by C.
Molecular consequence: splice acceptor variant.
Genome position (GRCh38, 1-based): chr16:2,071,782, A>C. VCF-style: chr16-2071782-A-C. GRCh37 (hg19) VCF-style: chr16-2121783-A-C.
Other names: c.603-2A>C (NM_001406693.1, NM_001406689.1, NM_001406690.1 and 6 more transcripts); c.2037-2A>C (NM_001406667.1, NM_001406668.1); c.1347-2A>C (NM_001406680.1, NM_001406683.1, NM_001406687.1 and 6 more transcripts); c.345-2A>C (NM_001406698.1); c.1947-2A>C (NM_001114382.3, NM_001406663.1, NM_001406664.1 and 6 more transcripts); c.1935-2A>C (NM_001406671.1, NM_001406673.1); c.1485-2A>C (NM_001406681.1); c.1836-2A>C (NM_001406670.1, NM_001318827.2, NM_001406678.1); and 3 more.
Identifiers: ClinVar variation 835464 (VCV000835464.11), dbSNP rs45517207, ClinGen allele CA394273528.
Genomic context (GRCh38, chr16:2,071,782, plus strand): 5'-GCCAAGTCTGTTCCGTTCCTGCTGCGGGGACTTGGCCTCAGCTGCTTCTCTTGCTTCTGC[A>C]GGGAGCCAGAGAGAGGCTCTGAGAAGAAGACCAGCGGCCCCCTTTCTCCTCCCACAGGGC-3'